The following is an entry in ClinVar:

NM_017649.5(CNNM2):c.370G>A (p.Glu124Lys)

Gene: CNNM2 (cyclin and CBS domain divalent metal cation transport mediator 2; plus strand). Cytogenetic location: 10q24.32.
Variant type: single nucleotide variant.
Coding change: c.370G>A on transcript NM_017649.5 (MANE Select); coding-DNA position 370, G replaced by A.
Protein change: p.Glu124Lys; replaces glutamic acid 124 with lysine.
Molecular consequence: missense variant.
Genome position (GRCh38, 1-based): chr10:102,918,850, G>A. VCF-style: chr10-102918850-G-A. GRCh37 (hg19) VCF-style: chr10-104678607-G-A.
Other names: c.370G>A, p.Glu124Lys (NM_199076.3, NM_199077.3); c.370G>A (NM_017649.4); short protein forms E124K.
Identifiers: ClinVar variation 2726329 (VCV002726329.4), dbSNP rs1357883766, ClinGen allele CA377955142.
Genomic context (GRCh38, chr10:102,918,850, plus strand): 5'-CGGGTGTACGGGCAGAACATCAATAACGAGACGTGGTCCCGCATCGCCTTCACCGAGCAC[G>A]AGCGGCGGCGCCACAGCCCGGGGGAGCGCGGGCTGGGGGGCCCCGCGCCGCCAGAGCCGG-3'
Protein context (NP_060119.3, residues 114-134): TWSRIAFTEH[Glu124Lys]RRRHSPGERG

ClinVar aggregate classification (germline): Uncertain significance. Review status: criteria provided, multiple submitters, no conflicts (2 of 4 stars). 2 submissions from 2 submitters: Uncertain significance (2). Last evaluated 2026-06-26.

Allele frequency attached by ClinVar (database versions not stated): TOPMed below 0.00001; gnomAD 0.00001; gnomAD exomes 0.00001.
gnomAD v4.1: 13 of 1,584,310 alleles (0.00082%); highest among the groups gnomAD compares: Non-Finnish European, 0.0011%; no homozygotes.

Submissions (2):

Revvity Omics, Revvity
Classification: Uncertain significance. Last evaluated: 2026-06-26. Review status: criteria provided, single submitter. Criteria: ACMG Guidelines, 2015. Collection method: clinical testing. Allele origin: germline.

Labcorp Genetics (formerly Invitae), Labcorp
Classification: Uncertain significance. Last evaluated: 2023-10-11. Review status: criteria provided, single submitter. Criteria: Invitae Variant Classification Sherloc (09022015). Collection method: clinical testing. Allele origin: germline.
Comment: This sequence change replaces glutamic acid, which is acidic and polar, with lysine, which is basic and polar, at codon 124 of the CNNM2 protein (p.Glu124Lys). The frequency data for this variant in the population databases is considered unreliable, as metrics indicate poor data quality at this position in the gnomAD database. This variant has not been reported in the literature in individuals affected with CNNM2-related conditions. Advanced modeling of protein sequence and biophysical properties (such as structural, functional, and spatial information, amino acid conservation, physicochemical variation, residue mobility, and thermodynamic stability) performed at Invitae indicates that this missense variant is not expected to disrupt CNNM2 protein function. In summary, the available evidence is currently insufficient to determine the role of this variant in disease. Therefore, it has been classified as a Variant of Uncertain Significance.